The following is an entry in ClinVar:

NM_000268.4(NF2):c.1684C>A (p.His562Asn)

Gene: NF2 (NF2, moesin-ezrin-radixin like (MERLIN) tumor suppressor; plus strand). Cytogenetic location: 22q12.2.
Variant type: single nucleotide variant.
Coding change: c.1684C>A on transcript NM_000268.4 (MANE Select); coding-DNA position 1684, C replaced by A.
Protein change: p.His562Asn; replaces histidine 562 with asparagine.
Molecular consequence: missense variant. On other transcripts: intron variant (3).
Genome position (GRCh38, 1-based): chr22:29,681,548, C>A. VCF-style: chr22-29681548-C-A. GRCh37 (hg19) VCF-style: chr22-30077537-C-A.
Other names: c.1435C>A, p.His479Asn (NM_181831.3, NM_001407063.1, NM_181830.3); c.1684C>A, p.His562Asn (NM_181832.3, NM_001407066.1, NM_016418.5 and 1 more transcripts); c.1574+3225C>A (NM_001407060.1); c.448-13204C>A (NM_181833.3); c.1325+3225C>A (NM_001407064.1); c.1570C>A, p.His524Asn (NM_001407053.1, NM_001407056.1); c.1561C>A, p.His521Asn (NM_001407054.1, NM_001407058.1, NM_181829.3); c.1558C>A, p.His520Asn (NM_001407055.1, NM_181828.3); and 4 more; short protein forms H479N, H562N, H485N, H521N, H384N, H517N, H520N, H476N.
Identifiers: ClinVar variation 2568039 (VCV002568039.5), dbSNP rs778127814, ClinGen allele CA411150336.

ClinVar aggregate classification (germline): Uncertain significance. Review status: criteria provided, multiple submitters, no conflicts (2 of 4 stars). 2 submissions from 2 submitters: Uncertain significance (2). Last evaluated 2025-05-05.

Conditions:
Neurofibromatosis, type 2 (SWNV). Also called: BILATERAL ACOUSTIC NEUROFIBROMATOSIS; SCHWANNOMATOSIS, VESTIBULAR; NF2-Related Schwannomatosis. Identifiers: Orphanet 637, MedGen C0027832, MONDO:0007039, OMIM 101000. Disease mechanism: loss of function.
Hereditary cancer-predisposing syndrome. Also called: Neoplastic Syndromes, Hereditary; Hereditary Cancer Syndrome; Tumor predisposition; Hereditary neoplastic syndrome. Identifiers: Orphanet 140162, MedGen C0027672, MeSH D009386, MONDO:0015356.

Submissions (2):

Labcorp Genetics (formerly Invitae), Labcorp
Classification: Uncertain significance for Neurofibromatosis, type 2. Last evaluated: 2025-05-05. Review status: criteria provided, single submitter. Criteria: Invitae Variant Classification Sherloc (09022015). Collection method: clinical testing. Allele origin: germline.
Comment: This sequence change replaces histidine, which is basic and polar, with asparagine, which is neutral and polar, at codon 562 of the NF2 protein (p.His562Asn). This variant is not present in population databases (gnomAD no frequency). This variant has not been reported in the literature in individuals affected with NF2-related conditions. ClinVar contains an entry for this variant (Variation ID: 2568039). Invitae Evidence Modeling of protein sequence and biophysical properties (such as structural, functional, and spatial information, amino acid conservation, physicochemical variation, residue mobility, and thermodynamic stability) indicates that this missense variant is not expected to disrupt NF2 protein function with a negative predictive value of 80%. In summary, the available evidence is currently insufficient to determine the role of this variant in disease. Therefore, it has been classified as a Variant of Uncertain Significance.

Ambry Genetics
Classification: Uncertain significance for Hereditary cancer-predisposing syndrome. Last evaluated: 2023-03-17. Review status: criteria provided, single submitter. Criteria: Ambry Variant Classification Scheme 2023. Collection method: clinical testing. Allele origin: germline.
Comment: The p.H562N variant (also known as c.1684C>A), located in coding exon 15 of the NF2 gene, results from a C to A substitution at nucleotide position 1684. The histidine at codon 562 is replaced by asparagine, an amino acid with similar properties. This amino acid position is conserved. In addition, the in silico prediction for this alteration is inconclusive. Since supporting evidence is limited at this time, the clinical significance of this alteration remains unclear.